The following is an entry in ClinVar:

NM_000465.4(BARD1):c.48C>G (p.Ser16=)

Gene: BARD1 (BRCA1 associated RING domain 1; minus strand). Cytogenetic location: 2q35.
Variant type: single nucleotide variant.
Coding change: c.48C>G on transcript NM_000465.4 (MANE Select); coding-DNA position 48, C replaced by G.
Protein change: p.Ser16=; no amino-acid change (serine 16 retained).
Molecular consequence: synonymous variant. On other transcripts: non-coding transcript variant (3).
Genome position (GRCh38, 1-based): chr2:214,809,522, G>C on the plus strand (C>G on the coding strand, the complement: BARD1 is on the minus strand). VCF-style: chr2-214809522-G-C. GRCh37 (hg19) VCF-style: chr2-215674246-G-C.
Other names: c.48C>G, p.Ser16= (NM_001282543.2, NM_001282545.2, NM_001282548.2 and 1 more transcripts); c.48C>G (NM_000465.2).
Identifiers: ClinVar variation 922064 (VCV000922064.7), dbSNP rs770753803, ClinGen allele CA431148666.

ClinVar aggregate classification (germline): Benign/Likely benign. Review status: criteria provided, multiple submitters, no conflicts (2 of 4 stars). 4 submissions from 4 submitters: Benign (1); Likely benign (3). Last evaluated 2024-12-04.

Conditions:
Familial cancer of breast. Also called: BREAST CANCER, FAMILIAL; hereditary breast carcinoma; Hereditary breast cancer. Identifiers: Orphanet 227535, MedGen C0346153, MONDO:0016419, OMIM 114480. Disease mechanism: loss of function.
Hereditary cancer-predisposing syndrome. Also called: Neoplastic Syndromes, Hereditary; Tumor predisposition; Hereditary Cancer Syndrome; Hereditary neoplastic syndrome. Identifiers: Orphanet 140162, MedGen C0027672, MeSH D009386, MONDO:0015356.

Submissions (4):

Labcorp Genetics (formerly Invitae), Labcorp
Classification: Likely benign for Familial cancer of breast. Last evaluated: 2024-12-04. Review status: criteria provided, single submitter. Criteria: Invitae Variant Classification Sherloc (09022015). Collection method: clinical testing. Allele origin: germline.

Myriad Genetics, Inc.
Classification: Benign for Familial cancer of breast. Last evaluated: 2024-07-18. Review status: criteria provided, single submitter. Criteria: Myriad Autosomal Dominant, Autosomal Recessive and X-Linked Classification Criteria (2023). Collection method: clinical testing. Allele origin: unknown.
Comment: This variant is considered benign. This variant is a silent/synonymous amino acid change and it is not expected to impact splicing.

Ambry Genetics
Classification: Likely benign for Hereditary cancer-predisposing syndrome. Last evaluated: 2021-09-08. Review status: criteria provided, single submitter. Criteria: Ambry Variant Classification Scheme 2023. Collection method: clinical testing. Allele origin: germline.

Color Diagnostics, LLC DBA Color Health
Classification: Likely benign for Hereditary cancer-predisposing syndrome. Last evaluated: 2019-03-12. Review status: criteria provided, single submitter. Criteria: ACMG Guidelines, 2015. Collection method: clinical testing. Allele origin: germline.